The following is an entry in ClinVar:

ClinVar aggregate classification (germline): Conflicting classifications of pathogenicity. Review status: criteria provided, conflicting classifications (1 of 4 stars). 24 submissions from 24 submitters: Uncertain significance (2); Benign (6); Likely benign (9). 7 of the submissions do not count toward it. Last evaluated 2026-04-14.

Conditions:
Hereditary cancer-predisposing syndrome. Also called: Hereditary Cancer Syndrome; Tumor predisposition; Neoplastic Syndromes, Hereditary; Hereditary neoplastic syndrome. Identifiers: Orphanet 140162, MedGen C0027672, MeSH D009386, MONDO:0015356.
Hereditary breast ovarian cancer syndrome. Also called: Breast and ovarian cancer; BRCA1- and BRCA2-Associated Hereditary Breast and Ovarian Cancer; Hereditary breast and ovarian cancer; Hereditary breast and ovarian cancer syndrome (HBOC); Hereditary breast and ovarian cancer syndrome; Hereditary breast and/or ovarian cancer syndrome. Identifiers: Orphanet 145, MedGen C0677776, MeSH D061325, MONDO:0003582. Disease mechanism: loss of function.
Breast-ovarian cancer, familial, susceptibility to, 2 (BROVCA2). Also called: BRCA2 Hereditary Breast and Ovarian Cancer. Identifiers: Orphanet 145, MedGen C2675520, MONDO:0012933, OMIM 612555. Disease mechanism: loss of function.
Malignant tumor of breast. Also called: Malignant breast neoplasm; Cancer breast. Identifiers: MedGen C0006142, MONDO:0007254. Disease mechanism: loss of function.

Allele frequency attached by ClinVar (database versions not stated): TOPMed 0.00004; ESP Exome Variant Server 0.00008.
gnomAD v4.1: 99 of 1,613,014 alleles (0.0061%); highest among the groups gnomAD compares: South Asian, 0.012%; no homozygotes.

Submissions 1 to 11 of 24:

German Consortium for Hereditary Breast and Ovarian Cancer, University Hospital Cologne
Classification: Benign for Hereditary breast ovarian cancer syndrome. Last evaluated: 2026-04-14. Review status: criteria provided, single submitter. Criteria: ClinGen BRCA2 1.2.0. Collection method: curation. Allele origin: germline.
Comment: This classification follows the ClinGen ENIGMA BRCA2 v1.2.0 classification scheme; We chose these criteria: BP5 (very strong benign): Combined LR Score 0.00076; PMIDs: 31853058 , 34597585, BP7 (strong benign): BP7(RNA): Caux-Moncoutier (2009, PMID: 19471317), Menéndez (2012, PMID: 21735045) & Houdayer (2012, PMID: 22505045): no impact on splicing (patient mRNA without allele-specific quantitation), BS1 (supporting benign): gnomAD v2.1 (non-cancer, exome only subset): Grpmax Filtering AF = 0.00008558 (= 0.009%) gnomAD v3.1.2 (non-cancer dataset): Grpmax Filtering AF = 0.00002847 (0.003%), BS3 (strong benign): Reported by one calibrated study to exhibit protein function similar to benign control variants (PMID:33609447) (BS3 met); + PMIDs 38417439, 39779857 Str, 39779848 VSTR

Labcorp Genetics (formerly Invitae), Labcorp
Classification: Likely benign for Hereditary breast ovarian cancer syndrome. Last evaluated: 2026-01-21. Review status: criteria provided, single submitter. Criteria: Invitae Variant Classification Sherloc (09022015). Collection method: clinical testing. Allele origin: germline.

Center for Genomic Medicine, Rigshospitalet, Copenhagen University Hospital
Classification: Likely benign. Last evaluated: 2025-12-29. Review status: criteria provided, single submitter. Criteria: ACMG Guidelines, 2015. Collection method: clinical testing. Allele origin: germline.
Comment: Classification criteria: PP3_supporting, BS1_supporting, BS3_strong

CeGaT Center for Human Genetics Tuebingen
Classification: Likely benign. Last evaluated: 2025-12-01. Review status: criteria provided, single submitter. Criteria: CeGaT Center For Human Genetics Tuebingen Variant Classification Criteria Version 2. Collection method: clinical testing. Allele origin: germline. Affected: yes. Observed: 3 variant alleles.
Comment: BRCA2: BP4, BS3:Supporting

Molecular Diagnostics Laboratory, Catalan Institute of Oncology
Classification: Benign for Hereditary cancer-predisposing syndrome. Last evaluated: 2025-01-20. Review status: criteria provided, single submitter. Criteria: ClinGen BRCA1BRCA2 ACMG Specifications BRCA2 V1.0.0. Collection method: clinical testing. Allele origin: germline.
Comment: BS1_Supporting, BS3, BP4, BP5_Moderate c.9116C>T, located in exon 23 of the BRCA2 gene, is predicted to result in the substitution of Pro by Leu at codon 3039, p.(Pro3039Leu). It was found in 6/30496 alleles, with a filter allele frequency of 0.0085% at 95% confidence, within the South Asian population in the gnomAD v2.1 (non-cancer, exome only subset) (BS1_Supporting). This position is located in a (potentially) clinically important functional domain. SpliceAI algorithm predicts no significant impact on splicing and the Bayesdel no-AF meta-predictor score for this variant (-0.141) suggests that it does not affect the protein function (BP4). It has been reported by two calibrated studies to affect protein function similar to benign control variants (PMIDs: 33609447, 29884841) (BS3). RNA studies indicate that this variant has no effect on mRNA splicing (r.9116c>u) (PMID: 23451180, 21735045). Published clinical data for a multifactorial likelihood analysis (PMID: 31131967) showed a combined LR=0,17 (BP5_Moderate). This variant has been reported in ClinVar (3x benign, 10x likely benign, 7x uncertain significance) and LOVD (4x likely benign, 11x uncertain significance) databases, and in BRCA Exchange database as Not Yet Reviwed. Based on currently available information, the variant c.9116C>T should be considered a benign variant.

Department of Clinical Genetics, Copenhagen University Hospital, Rigshospitalet
Classification: Benign for Breast-ovarian cancer, familial, susceptibility to, 2. Last evaluated: 2025-01-10. Review status: criteria provided, single submitter. Criteria: ACMG Guidelines, 2015. Collection method: clinical testing. Allele origin: germline.
Comment: The following ACMG criteria was used: BS1_SUP; BP5_Strong; BS3_Strong

Institute for Biomarker Research, Medical Diagnostic Laboratories, L.L.C.
Classification: Uncertain significance for Hereditary breast ovarian cancer syndrome. Last evaluated: 2024-03-22. Review status: criteria provided, single submitter. Criteria: ACMG Guidelines, 2015. Collection method: clinical testing. Allele origin: germline.

Mendelics
Classification: Benign for Hereditary breast ovarian cancer syndrome. Last evaluated: 2023-08-22. Review status: criteria provided, single submitter. Criteria: Mendelics Assertion Criteria 2019. Collection method: clinical testing. Allele origin: germline.

Quest Diagnostics Nichols Institute San Juan Capistrano
Classification: Likely benign. Last evaluated: 2023-01-20. Review status: criteria provided, single submitter. Criteria: Quest Diagnostics criteria. Collection method: clinical testing. Allele origin: unknown.

Women's Health and Genetics/Laboratory Corporation of America, LabCorp
Classification: Benign. Last evaluated: 2022-03-27. Review status: criteria provided, single submitter. Criteria: LabCorp Variant Classification Summary - May 2015. Collection method: clinical testing. Allele origin: germline.
Comment: Variant summary: BRCA2 c.9116C>T (p.Pro3039Leu) results in a non-conservative amino acid change in the encoded protein sequence. Three of five in-silico tools predict a damaging effect of the variant on protein function. 4/4 computational tools predict no significant impact on normal splicing. Functional studies confirm these predictions indicating this variant has no effect on mRNA splicing (e.g. Caux-Moncoutier_2009, Houdayer_2012, Menendez_2012, Colombo_2013). The variant allele was found at a frequency of 8.9e-05 in 248254 control chromosomes (gnomAD). This frequency is not higher than estimated for a pathogenic variant in BRCA2 causing Hereditary Breast And Ovarian Cancer Syndrome (8.9e-05 vs 0.00075), allowing no conclusion about variant significance. c.9116C>T has been reported in the literature in individuals affected with Hereditary Breast And Ovarian Cancer Syndrome (example, Coulet_2010, Azzollini_2016, Rodriguez-Balada_2016, Park_2017, Guo_2020) but it was also reported in controls (Guo_2020). These reports do not provide unequivocal conclusions about association of the variant with Hereditary Breast And Ovarian Cancer Syndrome. Co-occurrences with BRCA2 pathogenic variants have been observed at our laboratory and in the literature (BRCA2 c.658_659delGT, p.Val220IlefsX4 at our laboratory; BRCA2 c.2808_2811delACAA, p.Ala938ProfsX21 in Santonocito_2020), providing supporting evidence for a benign role. Experimental evidence evaluating an impact on protein function through utilization of a homologous recombination DNA-repair activity assay, determined the variant to be neutral (example, Guidugli_2018, Hart_2019, Richardson_2021). HDR assays qualify as a recognized gold standard on the basis of updated guidance provided by the ClinGen Sequence Variant Interpretation (SVI) working group. This working group has recommended strong functional evidence (ACMG BS3) as sufficient weightage for categorization as likely benign (Tavtigian_2018). Multiple ClinVar submitters (evaluation after 2014) cite the variant with a predominant consensus as as benign/likely benign and three ClinVar submitters (evaluation after 2014) cite it as uncertain significance. Based on the evidence outlined above, the variant was classified as benign.

Sema4
Classification: Likely benign for Hereditary cancer-predisposing syndrome. Last evaluated: 2021-04-21. Review status: criteria provided, single submitter. Criteria: Sema4 Curation Guidelines. Collection method: curation. Allele origin: germline.

NM_000059.4(BRCA2):c.9116C>T (p.Pro3039Leu)

Gene: BRCA2 (BRCA2 DNA repair associated; plus strand). Cytogenetic location: 13q13.1.
Variant type: single nucleotide variant.
Coding change: c.9116C>T on transcript NM_000059.4 (MANE Select); coding-DNA position 9116, C replaced by T.
Protein change: p.Pro3039Leu; replaces proline 3039 with leucine.
Molecular consequence: missense variant.
Genome position (GRCh38, 1-based): chr13:32,379,912, C>T. VCF-style: chr13-32379912-C-T. GRCh37 (hg19) VCF-style: chr13-32954049-C-T.
Other names: p.P3039L:CCG>CTG; 9344C>T; short protein forms P3039L.
Identifiers: ClinVar variation 52753 (VCV000052753.68), dbSNP rs80359167, ClinGen allele CA025988.